The following is an entry in ClinVar:

NM_001267052.2(UNC45B):c.808+4G>C

Gene: UNC45B (unc-45 myosin chaperone B; plus strand). Cytogenetic location: 17q12.
Variant type: single nucleotide variant.
Coding change: c.808+4G>C on transcript NM_001267052.2 (MANE Select); 4 bases into the intron after coding-DNA position 808, G replaced by C.
Molecular consequence: intron variant.
Genome position (GRCh38, 1-based): chr17:35,155,468, G>C. VCF-style: chr17-35155468-G-C. GRCh37 (hg19) VCF-style: chr17-33482487-G-C.
Other names: c.808+4G>C (NM_001033576.2, NM_173167.3, NM_001308281.1).
Identifiers: ClinVar variation 1301823 (VCV001301823.13), dbSNP rs61749988, ClinGen allele CA8500940.

ClinVar aggregate classification (germline): Benign. Review status: criteria provided, multiple submitters, no conflicts (2 of 4 stars). 4 submissions from 4 submitters: Benign (3). 1 of the submissions does not count toward it. Last evaluated 2025-12-16.

Conditions:
UNC45B-related disorder. Also called: UNC45B-related condition.

Allele frequency attached by ClinVar (database versions not stated): gnomAD exomes 0.00111 and 0.00261; ExAC 0.00340; gnomAD 0.00987 and 0.01057; 1000 Genomes Project 0.01058; TOPMed 0.01073; ESP Exome Variant Server 0.01115; 1000 Genomes Project 30x 0.01124.
gnomAD v4.1: 3,203 of 1,613,482 alleles (0.2%); highest among the groups gnomAD compares: African/African-American, 3.5%; 51 homozygotes.

Submissions (4):

Labcorp Genetics (formerly Invitae), Labcorp
Classification: Benign. Last evaluated: 2025-12-16. Review status: criteria provided, single submitter. Criteria: Invitae Variant Classification Sherloc (09022015). Collection method: clinical testing. Allele origin: germline.

Dubai Health Genomic Medicine Center, Dubai Health
Classification: Benign. Last evaluated: 2020-01-02. Review status: criteria provided, single submitter. Criteria: ACMG Guidelines, 2015. Collection method: clinical testing. Allele origin: germline. Affected: yes.

Breakthrough Genomics
Classification: Benign. Review status: criteria provided, single submitter. Criteria: ACMG Guidelines, 2015. Collection method: not provided. Allele origin: germline. Inheritance: Autosomal recessive inheritance. Affected: yes.

PreventionGenetics, part of Exact Sciences
Classification: Benign for UNC45B-related condition. Last evaluated: 2020-01-14. Review status: no assertion criteria provided. Collection method: clinical testing. Allele origin: germline. Not counted in ClinVar's aggregate classification.
Comment: This variant is classified as benign based on ACMG/AMP sequence variant interpretation guidelines (Richards et al. 2015 PMID: 25741868, with internal and published modifications).